The following is an entry in ClinVar:

NM_001848.3(COL6A1):c.2998G>A (p.Glu1000Lys)

Gene: COL6A1 (collagen type VI alpha 1 chain; plus strand). Cytogenetic location: 21q22.3.
Variant type: single nucleotide variant.
Coding change: c.2998G>A on transcript NM_001848.3 (MANE Select); coding-DNA position 2998, G replaced by A.
Protein change: p.Glu1000Lys; replaces glutamic acid 1000 with lysine.
Molecular consequence: missense variant.
Genome position (GRCh38, 1-based): chr21:46,003,924, G>A. VCF-style: chr21-46003924-G-A. GRCh37 (hg19) VCF-style: chr21-47423838-G-A.
Other names: short protein forms E1000K.
Identifiers: ClinVar variation 1396828 (VCV001396828.6), dbSNP rs201456885, ClinGen allele CA10071104.
Genomic context (GRCh38, chr21:46,003,924, plus strand): 5'-GAGCCCCACATCCGCGTCCTGGTCACCGGCAAGACGGCCGAGTACGACGTGGCCTACGGC[G>A]AGAGCCACCTGTTCCGTGTCCCCAGCTACCAGGCCCTGCTCCGCGGTGTCTTCCACCAGA-3'
Protein context (NP_001839.2, residues 990-1010): KTAEYDVAYG[Glu1000Lys]SHLFRVPSYQ

ClinVar aggregate classification (germline): Uncertain significance (1 of 4 stars; one submission).

Conditions:
Bethlem myopathy 1A. Also called: Bethlem myopathy 1; Bethlem Muscular Dystrophy; MYOPATHY, BENIGN CONGENITAL, WITH CONTRACTURES. Identifiers: Orphanet 610, MedGen CN029274, MONDO:0024530, OMIM 158810.

Allele frequency attached by ClinVar (database versions not stated): TOPMed below 0.00001; ExAC 0.00001; gnomAD 0.00001; gnomAD exomes 0.00002; 1000 Genomes Project 30x 0.00016; 1000 Genomes Project 0.00020.
gnomAD v4.1: 34 of 1,609,286 alleles (0.0021%); highest among the groups gnomAD compares: East Asian, 0.045%; no homozygotes.

Submission:

Labcorp Genetics (formerly Invitae), Labcorp
Classification: Uncertain significance for Bethlem myopathy 1A. Last evaluated: 2022-10-07. Review status: criteria provided, single submitter. Criteria: Invitae Variant Classification Sherloc (09022015). Collection method: clinical testing. Allele origin: germline.
Comment: In summary, the available evidence is currently insufficient to determine the role of this variant in disease. Therefore, it has been classified as a Variant of Uncertain Significance. Advanced modeling of protein sequence and biophysical properties (such as structural, functional, and spatial information, amino acid conservation, physicochemical variation, residue mobility, and thermodynamic stability) performed at Invitae indicates that this missense variant is not expected to disrupt COL6A1 protein function. ClinVar contains an entry for this variant (Variation ID: 1396828). This variant has not been reported in the literature in individuals affected with COL6A1-related conditions. This variant is present in population databases (rs201456885, gnomAD 0.006%). This sequence change replaces glutamic acid, which is acidic and polar, with lysine, which is basic and polar, at codon 1000 of the COL6A1 protein (p.Glu1000Lys).